The following is an entry in ClinVar:

NM_003128.3(SPTBN1):c.626A>G (p.Asn209Ser)

Gene: SPTBN1 (spectrin beta, non-erythrocytic 1; plus strand). Cytogenetic location: 2p16.2.
Variant type: single nucleotide variant.
Coding change: c.626A>G on transcript NM_003128.3 (MANE Select); coding-DNA position 626, A replaced by G.
Protein change: p.Asn209Ser; replaces asparagine 209 with serine.
Molecular consequence: missense variant.
Genome position (GRCh38, 1-based): chr2:54,617,667, A>G. VCF-style: chr2-54617667-A-G. GRCh37 (hg19) VCF-style: chr2-54844804-A-G.
Other names: c.587A>G, p.Asn196Ser (NM_178313.3); short protein forms N196S, N209S.
Identifiers: ClinVar variation 2183512 (VCV002183512.4), dbSNP rs780512831, ClinGen allele CA1660155.

ClinVar aggregate classification (germline): Uncertain significance (1 of 4 stars; one submission).

Allele frequency attached by ClinVar (database versions not stated): ExAC 0.00001; gnomAD exomes 0.00002; TOPMed 0.00002.
gnomAD v4.1: 25 of 1,614,164 alleles (0.0015%); highest among the groups gnomAD compares: Non-Finnish European, 0.002%; no homozygotes.

Submission:

Labcorp Genetics (formerly Invitae), Labcorp
Classification: Uncertain significance. Last evaluated: 2022-08-22. Review status: criteria provided, single submitter. Criteria: Invitae Variant Classification Sherloc (09022015). Collection method: clinical testing. Allele origin: germline.
Comment: This sequence change replaces asparagine, which is neutral and polar, with serine, which is neutral and polar, at codon 209 of the SPTBN1 protein (p.Asn209Ser). This variant is present in population databases (rs780512831, gnomAD 0.003%). This variant has not been reported in the literature in individuals affected with SPTBN1-related conditions. Algorithms developed to predict the effect of missense changes on protein structure and function (SIFT, PolyPhen-2, Align-GVGD) all suggest that this variant is likely to be disruptive. In summary, the available evidence is currently insufficient to determine the role of this variant in disease. Therefore, it has been classified as a Variant of Uncertain Significance.